The following is an entry in ClinVar:

NM_014946.4(SPAST):c.1141T>C (p.Phe381Leu)

Gene: SPAST (spastin; plus strand). Cytogenetic location: 2p22.3.
Variant type: single nucleotide variant.
Coding change: c.1141T>C on transcript NM_014946.4 (MANE Select); coding-DNA position 1141, T replaced by C.
Protein change: p.Phe381Leu; replaces phenylalanine 381 with leucine.
Molecular consequence: missense variant.
Genome position (GRCh38, 1-based): chr2:32,126,990, T>C. VCF-style: chr2-32126990-T-C. GRCh37 (hg19) VCF-style: chr2-32352059-T-C.
Other names: c.1138T>C, p.Phe380Leu (NM_001363823.2); c.1042T>C, p.Phe348Leu (NM_001363875.2); c.1045T>C, p.Phe349Leu (NM_001377959.1, NM_199436.2); short protein forms F380L, F349L, F381L, F348L.
Identifiers: ClinVar variation 4746955 (VCV004746955.1).

ClinVar aggregate classification (germline): Likely pathogenic (1 of 4 stars; one submission).

Conditions:
Hereditary spastic paraplegia 4. Also called: Spastic paraplegia 4, autosomal dominant; Spastic Paraplegia 4; Familial spastic paraplegia autosomal dominant 2. Identifiers: Orphanet 100985, MedGen C1866855, MONDO:0008438, OMIM 182601.

Submission:

Labcorp Genetics (formerly Invitae), Labcorp
Classification: Likely pathogenic for Hereditary spastic paraplegia 4. Last evaluated: 2025-05-06. Review status: criteria provided, single submitter. Criteria: Invitae Variant Classification Sherloc (09022015). Collection method: clinical testing. Allele origin: germline.
Comment: This sequence change replaces phenylalanine, which is neutral and non-polar, with leucine, which is neutral and non-polar, at codon 381 of the SPAST protein (p.Phe381Leu). This variant is not present in population databases (gnomAD no frequency). This missense change has been observed in individual(s) with hereditary spastic paraplegia (PMID: 16832076). It has also been observed to segregate with disease in related individuals. Invitae Evidence Modeling of protein sequence and biophysical properties (such as structural, functional, and spatial information, amino acid conservation, physicochemical variation, residue mobility, and thermodynamic stability) indicates that this missense variant is expected to disrupt SPAST protein function with a positive predictive value of 80%. This variant disrupts the p.Phe381 amino acid residue in SPAST. Other variant(s) that disrupt this residue have been observed in individuals with SPAST-related conditions (PMID: 10699187, 16832076, 33480217), which suggests that this may be a clinically significant amino acid residue. In summary, the currently available evidence indicates that the variant is pathogenic, but additional data are needed to prove that conclusively. Therefore, this variant has been classified as Likely Pathogenic.

Literature cited by the submitters: PubMed 16832076; PubMed 10699187; PubMed 33480217.